The following is an entry in ClinVar:

NM_181507.2(HPS5):c.1480G>T (p.Asp494Tyr)

Gene: HPS5 (HPS5 biogenesis of lysosomal organelles complex 2 subunit 2; minus strand). Cytogenetic location: 11p15.1.
Variant type: single nucleotide variant.
Coding change: c.1480G>T on transcript NM_181507.2 (MANE Select); coding-DNA position 1480, G replaced by T.
Protein change: p.Asp494Tyr; replaces aspartic acid 494 with tyrosine.
Molecular consequence: missense variant.
Genome position (GRCh38, 1-based): chr11:18,296,828, C>A on the plus strand (G>T on the coding strand, the complement: HPS5 is on the minus strand). VCF-style: chr11-18296828-C-A. GRCh37 (hg19) VCF-style: chr11-18318375-C-A.
Other names: c.1138G>T, p.Asp380Tyr (NM_007216.4, NM_181508.2); short protein forms D494Y, D380Y.
Identifiers: ClinVar variation 1429790 (VCV001429790.6), dbSNP rs762292971, ClinGen allele CA5910134.

ClinVar aggregate classification (germline): Uncertain significance (1 of 4 stars; one submission).

gnomAD v4.1: 48 of 1,614,028 alleles (0.003%); highest among the groups gnomAD compares: Non-Finnish European, 0.004%; no homozygotes.

Submission:

Labcorp Genetics (formerly Invitae), Labcorp
Classification: Uncertain significance. Last evaluated: 2025-10-21. Review status: criteria provided, single submitter. Criteria: Invitae Variant Classification Sherloc (09022015). Collection method: clinical testing. Allele origin: germline.
Comment: This sequence change replaces aspartic acid, which is acidic and polar, with tyrosine, which is neutral and polar, at codon 494 of the HPS5 protein (p.Asp494Tyr). This variant is present in population databases (rs762292971, gnomAD 0.003%). This variant has not been reported in the literature in individuals affected with HPS5-related conditions. ClinVar contains an entry for this variant (Variation ID: 1429790). An algorithm developed to predict the effect of missense changes on protein structure and function (PolyPhen-2) suggests that this variant is likely to be disruptive. In summary, the available evidence is currently insufficient to determine the role of this variant in disease. Therefore, it has been classified as a Variant of Uncertain Significance.